The following is an entry in ClinVar:

ClinVar aggregate classification (germline): Uncertain significance (1 of 4 stars; one submission).

Submission:

Labcorp Genetics (formerly Invitae), Labcorp
Classification: Uncertain significance. Last evaluated: 2022-11-01. Review status: criteria provided, single submitter. Criteria: Invitae Variant Classification Sherloc (09022015). Collection method: clinical testing. Allele origin: germline.
Comment: In summary, the available evidence is currently insufficient to determine the role of this variant in disease. Therefore, it has been classified as a Variant of Uncertain Significance. Algorithms developed to predict the effect of missense changes on protein structure and function are either unavailable or do not agree on the potential impact of this missense change (SIFT: "Deleterious"; PolyPhen-2: "Possibly Damaging"; Align-GVGD: "Class C0"). ClinVar contains an entry for this variant (Variation ID: 967805). This variant has not been reported in the literature in individuals affected with MSH3-related conditions. This variant is not present in population databases (gnomAD no frequency). This sequence change replaces alanine, which is neutral and non-polar, with serine, which is neutral and polar, at codon 916 of the MSH3 protein (p.Ala916Ser).

NM_002439.5(MSH3):c.2746G>T (p.Ala916Ser)

Gene: MSH3 (mutS homolog 3; plus strand). Cytogenetic location: 5q14.1.
Variant type: single nucleotide variant.
Coding change: c.2746G>T on transcript NM_002439.5 (MANE Select); coding-DNA position 2746, G replaced by T.
Protein change: p.Ala916Ser; replaces alanine 916 with serine.
Molecular consequence: missense variant.
Genome position (GRCh38, 1-based): chr5:80,813,674, G>T. VCF-style: chr5-80813674-G-T. GRCh37 (hg19) VCF-style: chr5-80109493-G-T.
Other names: short protein forms A916S.
Identifiers: ClinVar variation 967805 (VCV000967805.9), dbSNP rs1580066514, ClinGen allele CA360273992.
Genomic context (GRCh38, chr5:80,813,674, plus strand): 5'-GGACCAAACATGGGTGGAAAGAGCTCCTACATAAAACAAGTTGCATTGATTACCATCATG[G>T]CTCAGATTGGCTCCTATGTTCCTGCAGAAGAAGCGACAATTGGGATTGTGGATGGCATTT-3'
Protein context (NP_002430.3, residues 906-926): IKQVALITIM[Ala916Ser]QIGSYVPAEE